The following is an entry in ClinVar:

NM_001394073.1(HS6ST2):c.1531G>A (p.Glu511Lys)

Gene: HS6ST2 (heparan sulfate 6-O-sulfotransferase 2; minus strand). Cytogenetic location: Xq26.2.
Variant type: single nucleotide variant.
Coding change: c.1531G>A on transcript NM_001394073.1 (MANE Select); coding-DNA position 1531, G replaced by A.
Protein change: p.Glu511Lys; replaces glutamic acid 511 with lysine.
Molecular consequence: missense variant.
Genome position (GRCh38, 1-based): chrX:132,628,630, C>T on the plus strand (G>A on the coding strand, the complement: HS6ST2 is on the minus strand). VCF-style: chrX-132628630-C-T. GRCh37 (hg19) VCF-style: chrX-131762658-C-T.
Other names: c.1531G>A, p.Glu511Lys (NM_001077188.2); c.1411G>A, p.Glu471Lys (NM_001394074.1, NM_147175.4); short protein forms E471K, E511K.
Identifiers: ClinVar variation 3037872 (VCV003037872.2), dbSNP rs145272508, ClinGen allele CA10519490.
Genomic context (GRCh38, chrX:132,628,630, plus strand): 5'-CATAGCTGTACAACTCCATATCCAGAAAATTCAGTCCCTCAATACGCTTTTGAATTTCCT[C>T]ATTGATCTCTACACTAGAGGCCCTAGTGGTATTATACTGGGTAAATGGCGAAATAAAGTT-3'
Protein context (NP_001381002.1, residues 501-521): TTRASSVEIN[Glu511Lys]EIQKRIEGLN

ClinVar aggregate classification (germline): Benign (0 of 4 stars; one submission).

Conditions:
HS6ST2-related disorder. Also called: HS6ST2-related condition.

Allele frequency attached by ClinVar (database versions not stated): 1000 Genomes Project 0.00424; 1000 Genomes Project 30x 0.00479; TOPMed 0.01087; ExAC 0.01140; gnomAD 0.01208; ESP Exome Variant Server 0.01267; gnomAD exomes 0.01892.
gnomAD v4.1: 21,923 of 1,209,569 alleles (1.8%); highest among the groups gnomAD compares: Non-Finnish European, 2.2%; 166 homozygotes.

Submission:

PreventionGenetics, part of Exact Sciences
Classification: Benign for HS6ST2-related condition. Last evaluated: 2024-04-30. Review status: no assertion criteria provided. Collection method: clinical testing. Allele origin: germline.
Comment: This variant is classified as benign based on ACMG/AMP sequence variant interpretation guidelines (Richards et al. 2015 PMID: 25741868, with internal and published modifications).